The following is an entry in ClinVar:

NM_000135.4(FANCA):c.2244del (p.Phe749fs)

Gene: FANCA (FA complementation group A; minus strand). Cytogenetic location: 16q24.3.
Variant type: Deletion.
Coding change: c.2244del on transcript NM_000135.4 (MANE Select); coding-DNA position 2244, one base deleted (C; older notation c.2244delC).
Protein change: p.Phe749fs; shifts the reading frame from phenylalanine 749.
Molecular consequence: frameshift variant.
Genome position (GRCh38, 1-based): chr16:89,770,238, G deleted on the plus strand (C on the coding strand, the reverse complement: FANCA is on the minus strand). VCF-style (leftmost placement, unchanged base first): chr16-89770237-AG-A. GRCh37 (hg19) VCF-style: chr16-89836645-AG-A.
Other names: c.2244del, p.Phe749fs (NM_001286167.3); short protein forms F749fs.
Identifiers: ClinVar variation 1074617 (VCV001074617.7), dbSNP rs2143336461, ClinGen allele CA2499223839.
Genomic context (GRCh38, chr16:89,770,237, plus strand): 5'-GCAGCTGGCAGAGCCGGGTGAGCACTGCAGGGAGCACACGTCCACACATGGTCCTCACGA[AG>A]AGGGCAGCCCAGGGACCCTGCCTGCAGAGACAGCCGTGAAACCATCAGTACTAGCCATTC-3'

ClinVar aggregate classification (germline): Pathogenic (1 of 4 stars; one submission).

Conditions:
Fanconi anemia (FA). Also called: Fanconi's anemia. Identifiers: Orphanet 84, MedGen C0015625, MeSH D005199, MONDO:0019391.

Submission:

Labcorp Genetics (formerly Invitae), Labcorp
Classification: Pathogenic for Fanconi anemia. Last evaluated: 2023-09-08. Review status: criteria provided, single submitter. Criteria: Invitae Variant Classification Sherloc (09022015). Collection method: clinical testing. Allele origin: germline.
Comment: For these reasons, this variant has been classified as Pathogenic. ClinVar contains an entry for this variant (Variation ID: 1074617). This variant has not been reported in the literature in individuals affected with FANCA-related conditions. This variant is not present in population databases (gnomAD no frequency). This sequence change creates a premature translational stop signal (p.Phe749Serfs*2) in the FANCA gene. It is expected to result in an absent or disrupted protein product. Loss-of-function variants in FANCA are known to be pathogenic (PMID: 19367192).

Literature cited by the submitters: PubMed 19367192.